The following is an entry in ClinVar:

NM_016151.4(TAOK2):c.763C>T (p.Arg255Trp)

Gene: TAOK2 (TAO kinase 2; plus strand). Cytogenetic location: 16p11.2.
Variant type: single nucleotide variant.
Coding change: c.763C>T on transcript NM_016151.4 (MANE Select); coding-DNA position 763, C replaced by T.
Protein change: p.Arg255Trp; replaces arginine 255 with tryptophan.
Molecular consequence: missense variant.
Genome position (GRCh38, 1-based): chr16:29,981,872, C>T. VCF-style: chr16-29981872-C-T. GRCh37 (hg19) VCF-style: chr16-29993193-C-T.
Other names: c.763C>T, p.Arg255Trp (NM_001252043.2, NM_004783.4); short protein forms R255W.
Identifiers: ClinVar variation 3348466 (VCV003348466.1).
Genomic context (GRCh38, chr16:29,981,872, plus strand): 5'-TGACTCATGCCTTCCCCACCCCTCTCCCACCCTCCTGTGACTTTCAGGTCTGAGTACTTC[C>T]GGAATTTTGTCGACTCCTGTCTTCAGAAAATCCCTCAAGACAGACCAACCTCAGAGGTTC-3'
Protein context (NP_057235.2, residues 245-265): LQSGHWSEYF[Arg255Trp]NFVDSCLQKI

ClinVar aggregate classification (germline): Uncertain significance (0 of 4 stars; one submission).

Conditions:
TAOK2-related disorder. Also called: TAOK2-related condition.

Submission:

PreventionGenetics, part of Exact Sciences
Classification: Uncertain significance for TAOK2-related condition. Last evaluated: 2024-04-01. Review status: no assertion criteria provided. Collection method: clinical testing. Allele origin: germline.
Comment: The TAOK2 c.763C>T variant is predicted to result in the amino acid substitution p.Arg255Trp. This variant has been reported, along with a splicing variant in TAOK2, in a study of individuals with developmental and epileptic encephalopathy, however additional details were not provided (Supplemental Data 4, Takata et al. 2019. PubMed ID: 31175295 ). This variant has not been reported in a large population database, indicating this variant is rare. At this time, the clinical significance of this variant is uncertain due to the absence of conclusive functional and genetic evidence.